The following is an entry in ClinVar:

ClinVar aggregate classification (germline): Uncertain significance (1 of 4 stars; one submission).

Submission:

GeneDx
Classification: Uncertain significance. Last evaluated: 2022-06-27. Review status: criteria provided, single submitter. Criteria: GeneDx Variant Classification Process June 2021. Collection method: clinical testing. Allele origin: germline. Affected: yes.
Comment: Not observed at significant frequency in large population cohorts (gnomAD); Nonsense variant predicted to result in protein truncation or nonsense mediated decay in a gene or region of a gene for which loss of function is not a well-established mechanism of disease; Has not been previously published as pathogenic or benign to our knowledge

NM_000393.5(COL5A2):c.3490G>T (p.Gly1164Ter)

Gene: COL5A2 (collagen type V alpha 2 chain; minus strand). Cytogenetic location: 2q32.2.
Variant type: single nucleotide variant.
Coding change: c.3490G>T on transcript NM_000393.5 (MANE Select); coding-DNA position 3490, G replaced by T.
Protein change: p.Gly1164Ter; replaces glycine 1164 with a stop codon.
Molecular consequence: nonsense.
Genome position (GRCh38, 1-based): chr2:189,042,755, C>A on the plus strand (G>T on the coding strand, the complement: COL5A2 is on the minus strand). VCF-style: chr2-189042755-C-A. GRCh37 (hg19) VCF-style: chr2-189907481-C-A.
Other names: short protein forms G1164*.
Identifiers: ClinVar variation 1809888 (VCV001809888.1), dbSNP rs1685586746, ClinGen allele CA349860520.